The following is an entry in ClinVar:

ClinVar aggregate classification (germline): Uncertain significance (1 of 4 stars; one submission).

Conditions:
SQSTM1-related disorder. Also called: SQSTM1-Related Disorders.

Submission:

PreventionGenetics, part of Exact Sciences
Classification: Uncertain significance for SQSTM1-related condition. Last evaluated: 2024-12-02. Review status: criteria provided, single submitter. Criteria: ACMG Guidelines, 2015. Collection method: clinical testing. Allele origin: germline.
Comment: The SQSTM1 c.671C>T variant is predicted to result in the amino acid substitution p.Ser224Leu. To our knowledge, this variant has not been reported in the literature or in a large population database (gnomAD), indicating this variant is rare. At this time, the clinical significance of this variant is uncertain due to the absence of conclusive functional and genetic evidence.

NM_003900.5(SQSTM1):c.671C>T (p.Ser224Leu)

Gene: SQSTM1 (sequestosome 1; plus strand). Cytogenetic location: 5q35.3.
Variant type: single nucleotide variant.
Coding change: c.671C>T on transcript NM_003900.5 (MANE Select); coding-DNA position 671, C replaced by T.
Protein change: p.Ser224Leu; replaces serine 224 with leucine.
Molecular consequence: missense variant.
Genome position (GRCh38, 1-based): chr5:179,824,321, C>T. VCF-style: chr5-179824321-C-T. GRCh37 (hg19) VCF-style: chr5-179251321-C-T.
Other names: c.419C>T, p.Ser140Leu (NM_001142298.2, NM_001142299.2); short protein forms S224L, S140L.
Identifiers: ClinVar variation 4999506 (VCV004999506.1).